The following is an entry in ClinVar:

ClinVar aggregate classification (germline): Benign (1 of 4 stars; one submission).

Allele frequency attached by ClinVar (database versions not stated): gnomAD 0.66232; gnomAD exomes 0.68315; TOPMed 0.68892; 1000 Genomes Project 30x 0.75578; 1000 Genomes Project 0.76338.

Submission:

GeneDx
Classification: Benign. Last evaluated: 2018-06-13. Review status: criteria provided, single submitter. Criteria: GeneDx Variant Classification (06012015). Collection method: clinical testing. Allele origin: germline. Affected: yes.
Comment: This variant is considered likely benign or benign based on one or more of the following criteria: it is a conservative change, it occurs at a poorly conserved position in the protein, it is predicted to be benign by multiple in silico algorithms, and/or has population frequency not consistent with disease.

NM_080680.3(COL11A2):c.4015-81G>A

Gene: COL11A2 (collagen type XI alpha 2 chain; minus strand). Cytogenetic location: 6p21.32.
Variant type: single nucleotide variant.
Coding change: c.4015-81G>A on transcript NM_080680.3 (MANE Select); 81 bases into the intron before coding-DNA position 4015, G replaced by A.
Molecular consequence: intron variant.
Genome position (GRCh38, 1-based): chr6:33,167,614, C>T on the plus strand (G>A on the coding strand, the complement: COL11A2 is on the minus strand). VCF-style: chr6-33167614-C-T. GRCh37 (hg19) VCF-style: chr6-33135391-C-T.
Other names: c.3694-81G>A (NM_080679.3); c.3757-81G>A (NM_080681.3).
Identifiers: ClinVar variation 674798 (VCV000674798.1), dbSNP rs2855450, ClinGen allele CA12423036.